The following is an entry in ClinVar:

NM_000019.4(ACAT1):c.218A>C (p.Gln73Pro)

Gene: ACAT1 (acetyl-CoA acetyltransferase 1; plus strand). Cytogenetic location: 11q22.3.
Variant type: single nucleotide variant.
Coding change: c.218A>C on transcript NM_000019.4 (MANE Select); coding-DNA position 218, A replaced by C.
Protein change: p.Gln73Pro; replaces glutamine 73 with proline.
Molecular consequence: missense variant.
Genome position (GRCh38, 1-based): chr11:108,133,917, A>C. VCF-style: chr11-108133917-A-C. GRCh37 (hg19) VCF-style: chr11-108004644-A-C.
Other names: short protein forms Q73P.
Identifiers: ClinVar variation 666469 (VCV000666469.9), dbSNP rs779758622, ClinGen allele CA6263038.

ClinVar aggregate classification (germline): Likely pathogenic. Review status: criteria provided, multiple submitters, no conflicts (2 of 4 stars). 4 submissions from 4 submitters: Likely pathogenic (4). Last evaluated 2024-03-20.

Conditions:
Deficiency of acetyl-CoA acetyltransferase. Also called: 3-KETOTHIOLASE DEFICIENCY; 3-OXOTHIOLASE DEFICIENCY; Beta-ketothiolase deficiency; MITOCHONDRIAL ACETOACETYL-CoA THIOLASE DEFICIENCY. Identifiers: Orphanet 134, MedGen C1536500, MONDO:0008760, OMIM 203750. Disease mechanism: loss of function.

Allele frequency attached by ClinVar (database versions not stated): gnomAD exomes below 0.00001 and 0.00001; ExAC 0.00001.

Submissions (4):

Baylor Genetics
Classification: Likely pathogenic for Deficiency of acetyl-CoA acetyltransferase. Last evaluated: 2024-03-20. Review status: criteria provided, single submitter. Criteria: ACMG Guidelines, 2015. Collection method: clinical testing. Allele origin: unknown.

Women's Health and Genetics/Laboratory Corporation of America, LabCorp
Classification: Likely pathogenic for Deficiency of acetyl-CoA acetyltransferase. Last evaluated: 2023-05-03. Review status: criteria provided, single submitter. Criteria: LabCorp Variant Classification Summary - May 2015. Collection method: clinical testing. Allele origin: germline.
Comment: Variant summary: ACAT1 c.218A>C (p.Gln73Pro) results in a non-conservative amino acid change in the encoded protein sequence. Five of five in-silico tools predict a damaging effect of the variant on protein function. The variant allele was found at a frequency of 4e-06 in 251460 control chromosomes. c.218A>C has been reported in the literature in individuals affected with Alpha-Methylacetoacetic Aciduria (Sakurai_2007). These data do not allow any conclusion about variant significance. One publication reports expression studies indicating absense of residual T2 protein and enzyme activity (Sakurai_2007) . The following publications have been ascertained in the context of this evaluation (PMID: 17236799). Two clinical diagnostic laboratories have submitted clinical-significance assessments for this variant to ClinVar after 2014. All laboratories classified the variant as likely pathogenic. Based on the evidence outlined above, the variant was classified as likely pathogenic.

Labcorp Genetics (formerly Invitae), Labcorp
Classification: Likely pathogenic for Deficiency of acetyl-CoA acetyltransferase. Last evaluated: 2023-04-22. Review status: criteria provided, single submitter. Criteria: Invitae Variant Classification Sherloc (09022015). Collection method: clinical testing. Allele origin: germline.
Comment: In summary, the currently available evidence indicates that the variant is pathogenic, but additional data are needed to prove that conclusively. Therefore, this variant has been classified as Likely Pathogenic. Studies have shown that this missense change alters ACAT1 gene expression (PMID: 17236799). Advanced modeling of protein sequence and biophysical properties (such as structural, functional, and spatial information, amino acid conservation, physicochemical variation, residue mobility, and thermodynamic stability) performed at Invitae indicates that this missense variant is expected to disrupt ACAT1 protein function. ClinVar contains an entry for this variant (Variation ID: 666469). This missense change has been observed in individual(s) with beta-ketothiolase deficiency (PMID: 17236799). This variant is present in population databases (rs779758622, gnomAD 0.002%). This sequence change replaces glutamine, which is neutral and polar, with proline, which is neutral and non-polar, at codon 73 of the ACAT1 protein (p.Gln73Pro).

Department of Pediatrics, Gifu University
Classification: Likely pathogenic for Deficiency of acetyl-CoA acetyltransferase. Last evaluated: 2019-05-05. Review status: criteria provided, single submitter. Criteria: ACMG Guidelines, 2015. Collection method: research. Allele origin: germline. Affected: yes. Observed: 1 variant allele.

Literature cited by the submitters: PubMed 17236799 (cited by 3 submitters); PubMed 31268215 (cited by Department of Pediatrics, Gifu University).